The following is an entry in ClinVar:

NM_002890.3(RASA1):c.1348C>T (p.Leu450Phe)

Genes: CCNH (cyclin H; minus strand), RASA1 (RAS p21 protein activator 1; plus strand). Cytogenetic location: 5q14.3.
Variant type: single nucleotide variant.
Coding change: c.1348C>T on transcript NM_002890.3 (MANE Select); coding-DNA position 1348, C replaced by T.
Protein change: p.Leu450Phe; replaces leucine 450 with phenylalanine.
Molecular consequence: missense variant. On other transcripts: intron variant (1).
Genome position (GRCh38, 1-based): chr5:87,362,566, C>T. VCF-style: chr5-87362566-C-T. GRCh37 (hg19) VCF-style: chr5-86658383-C-T.
Other names: c.817C>T, p.Leu273Phe (NM_022650.3); c.933+32478G>A (NM_001364075.2); short protein forms L450F, L273F.
Identifiers: ClinVar variation 698544 (VCV000698544.20), dbSNP rs757166432, ClinGen allele CA3335729.
Genomic context (GRCh38, chr5:87,362,566, plus strand): 5'-CCATCAAGAATGTATGAAATAATTTTAATGTTTTTTAAAATTCAGGATCAAGAACAAGTA[C>T]TCAATGACACAGTGGATGGCAAGGAAATCTATAATACCATCCGTCGTAAAACAAAGGATG-3'
Protein context (NP_002881.1, residues 440-460): PVPMQDQEQV[Leu450Phe]NDTVDGKEIY

ClinVar aggregate classification (germline): Likely benign. Review status: criteria provided, multiple submitters, no conflicts (2 of 4 stars). 4 submissions from 4 submitters: Likely benign (3). 1 of the submissions does not count toward it. Last evaluated 2025-11-16.

Conditions:
Cardiovascular phenotype. Identifiers: MedGen CN230736.
Capillary malformation-arteriovenous malformation syndrome. Also called: Capillary malformation-arteriovenous malformation. Identifiers: Orphanet 137667, MedGen C1842180, MONDO:0012016.
RASA1-related disorder. Also called: RASA1-related condition.

Allele frequency attached by ClinVar (database versions not stated): ExAC 0.00027; gnomAD 0.00001; gnomAD exomes 0.00007 and 0.00039; TOPMed 0.00013.
gnomAD v4.1: 101 of 1,592,190 alleles (0.0063%); highest among the groups gnomAD compares: Admixed American, 0.17%; no homozygotes.

Submissions (4):

Labcorp Genetics (formerly Invitae), Labcorp
Classification: Likely benign for Capillary malformation-arteriovenous malformation syndrome. Last evaluated: 2025-11-16. Review status: criteria provided, single submitter. Criteria: Invitae Variant Classification Sherloc (09022015). Collection method: clinical testing. Allele origin: germline.

Ambry Genetics
Classification: Likely benign for Cardiovascular phenotype. Last evaluated: 2021-12-03. Review status: criteria provided, single submitter. Criteria: Ambry Variant Classification Scheme 2023. Collection method: clinical testing. Allele origin: germline.

ARUP Laboratories, Molecular Genetics and Genomics, ARUP Laboratories
Classification: Likely benign. Last evaluated: 2021-01-12. Review status: criteria provided, single submitter. Criteria: ARUP Molecular Germline Variant Investigation Process 2021. Collection method: clinical testing. Allele origin: germline.

PreventionGenetics, part of Exact Sciences
Classification: Likely benign for RASA1-related condition. Last evaluated: 2019-05-01. Review status: no assertion criteria provided. Collection method: clinical testing. Allele origin: germline. Not counted in ClinVar's aggregate classification.
Comment: This variant is classified as likely benign based on ACMG/AMP sequence variant interpretation guidelines (Richards et al. 2015 PMID: 25741868, with internal and published modifications).